The following is an entry in ClinVar:

ClinVar aggregate classification (germline): Likely benign (1 of 4 stars; one submission).

Conditions:
PREPL-related disorder. Also called: PREPL-related condition.

Submission:

PreventionGenetics, part of Exact Sciences
Classification: Likely benign for PREPL-related condition. Last evaluated: 2024-11-07. Review status: criteria provided, single submitter. Criteria: ACMG Guidelines, 2015. Collection method: clinical testing. Allele origin: germline.
Comment: This variant is classified as likely benign based on ACMG/AMP sequence variant interpretation guidelines (Richards et al. 2015 PMID: 25741868, with internal and published modifications).

NM_001171613.2(PREPL):c.1209T>A (p.Pro403=)

Gene: PREPL (prolyl endopeptidase like; minus strand). Cytogenetic location: 2p21.
Variant type: single nucleotide variant.
Coding change: c.1209T>A on transcript NM_001171613.2 (MANE Select); coding-DNA position 1209, T replaced by A.
Protein change: p.Pro403=; no amino-acid change (proline 403 retained).
Molecular consequence: synonymous variant.
Genome position (GRCh38, 1-based): chr2:44,328,990, A>T on the plus strand (T>A on the coding strand, the complement: PREPL is on the minus strand). VCF-style: chr2-44328990-A-T. GRCh37 (hg19) VCF-style: chr2-44556129-A-T.
Other names: c.1290T>A, p.Pro430= (NM_001042385.2); c.1278T>A, p.Pro426= (NM_001042386.2); c.1476T>A, p.Pro492= (NM_001171603.1, NM_001171606.2, NM_001374275.1 and 2 more transcripts); c.1209T>A, p.Pro403= (NM_001171617.1, NM_001374277.1).
Identifiers: ClinVar variation 4999719 (VCV004999719.1).